The following is an entry in ClinVar:

ClinVar aggregate classification (germline): Likely pathogenic (1 of 4 stars; one submission).

Submission:

Labcorp Genetics (formerly Invitae), Labcorp
Classification: Likely pathogenic. Last evaluated: 2020-04-23. Review status: criteria provided, single submitter. Criteria: Invitae Variant Classification Sherloc (09022015). Collection method: clinical testing. Allele origin: germline.
Comment: This sequence change affects a donor splice site in intron 6 of the LIFR gene. It is expected to disrupt RNA splicing and likely results in an absent or disrupted protein product. Algorithms developed to predict the effect of sequence changes on RNA splicing suggest that this variant may disrupt the consensus splice site, but this prediction has not been confirmed by published transcriptional studies. This variant has not been reported in the literature in individuals with LIFR-related conditions. This variant is not present in population databases (ExAC no frequency). In summary, the currently available evidence indicates that the variant is pathogenic, but additional data are needed to prove that conclusively. Therefore, this variant has been classified as Likely Pathogenic. Donor and acceptor splice site variants typically lead to a loss of protein function (PMID: 16199547), and loss-of-function variants in LIFR are known to be pathogenic (PMID: 14740318).

Literature cited by the submitters: PubMed 16199547; PubMed 14740318.

NM_001127671.2(LIFR):c.736+1G>C

Gene: LIFR (LIF receptor subunit alpha; minus strand). Cytogenetic location: 5p13.1.
Variant type: single nucleotide variant.
Coding change: c.736+1G>C on transcript NM_001127671.2 (MANE Select); the canonical splice donor site of the intron after coding-DNA position 736, G replaced by C.
Molecular consequence: splice donor variant.
Genome position (GRCh38, 1-based): chr5:38,511,789, C>G on the plus strand (G>C on the coding strand, the complement: LIFR is on the minus strand). VCF-style: chr5-38511789-C-G. GRCh37 (hg19) VCF-style: chr5-38511891-C-G.
Other names: c.736+1G>C (NM_002310.6, NM_001364298.2, NM_001364297.2).
Identifiers: ClinVar variation 1067110 (VCV001067110.7), dbSNP rs2112498297, ClinGen allele CA359547465.
Genomic context (GRCh38, chr5:38,511,789, plus strand): 5'-TACTCTTAAGTGAGACTAATTTAATTCATCTGAAACAAACATTCTTTAAATATAAGCTTA[C>G]AAGAAATGTTCTTCACAGGGCTCCAGTCACTCCACTCTTCGAGACCAGAAAAATGAAGAT-3'